The following is an entry in ClinVar:

NM_015662.3(IFT172):c.5005G>A (p.Ala1669Thr)

Genes: IFT172 (intraflagellar transport 172; minus strand), KRTCAP3 (keratinocyte associated protein 3; plus strand). Cytogenetic location: 2p23.3.
Variant type: single nucleotide variant.
Coding change: c.5005G>A on transcript NM_015662.3 (MANE Select); coding-DNA position 5005, G replaced by A.
Protein change: p.Ala1669Thr; replaces alanine 1669 with threonine.
Molecular consequence: missense variant. On other transcripts: intron variant (1).
Genome position (GRCh38, 1-based): chr2:27,445,359, C>T on the plus strand (G>A on the coding strand, the complement: IFT172 is on the minus strand). VCF-style: chr2-27445359-C-T. GRCh37 (hg19) VCF-style: chr2-27668226-C-T.
Other names: c.4939G>A, p.Ala1647Thr (NM_001410739.1); c.*6-942C>T (NM_001168364.2); short protein forms A1669T, A1647T.
Identifiers: ClinVar variation 1423606 (VCV001423606.10), dbSNP rs146575848, ClinGen allele CA1579389.

ClinVar aggregate classification (germline): Uncertain significance. Review status: criteria provided, multiple submitters, no conflicts (2 of 4 stars). 4 submissions from 4 submitters: Uncertain significance (3). 1 of the submissions does not count toward it. Last evaluated 2025-04-11.

Conditions:
Short-rib thoracic dysplasia 10 with or without polydactyly (SRTD10). Identifiers: Orphanet 474, MedGen C3810175, MONDO:0014284, OMIM 615630.
Retinitis pigmentosa 71 (RP71). Identifiers: Orphanet 791, MedGen C4225342, MONDO:0014618, OMIM 616394.
IFT172-related disorder. Also called: IFT172-related disorders; IFT172-related condition.
Inborn genetic diseases. Identifiers: MedGen C0950123, MeSH D030342.

Allele frequency attached by ClinVar (database versions not stated): TOPMed 0.00002; ESP Exome Variant Server 0.00008; gnomAD exomes 0.00001 and 0.00003; ExAC 0.00004; gnomAD 0.00003.
gnomAD v4.1: 17 of 1,613,206 alleles (0.0011%); highest among the groups gnomAD compares: South Asian, 0.0066%; no homozygotes.

Submissions (4):

Labcorp Genetics (formerly Invitae), Labcorp
Classification: Uncertain significance for Retinitis pigmentosa 71; Short-rib thoracic dysplasia 10 with or without polydactyly. Last evaluated: 2025-04-11. Review status: criteria provided, single submitter. Criteria: Invitae Variant Classification Sherloc (09022015). Collection method: clinical testing. Allele origin: germline.
Comment: This sequence change replaces alanine, which is neutral and non-polar, with threonine, which is neutral and polar, at codon 1669 of the IFT172 protein (p.Ala1669Thr). This variant is present in population databases (rs146575848, gnomAD 0.01%). This variant has not been reported in the literature in individuals affected with IFT172-related conditions. ClinVar contains an entry for this variant (Variation ID: 1423606). Invitae Evidence Modeling of protein sequence and biophysical properties (such as structural, functional, and spatial information, amino acid conservation, physicochemical variation, residue mobility, and thermodynamic stability) indicates that this missense variant is not expected to disrupt IFT172 protein function with a negative predictive value of 95%. In summary, the available evidence is currently insufficient to determine the role of this variant in disease. Therefore, it has been classified as a Variant of Uncertain Significance.

Blueprint Genetics
Classification: Uncertain significance. Last evaluated: 2022-11-07. Review status: criteria provided, single submitter. Criteria: ACMG Guidelines, 2015. Collection method: clinical testing. Allele origin: germline.

Ambry Genetics
Classification: Uncertain significance for Inborn genetic diseases. Last evaluated: 2021-08-17. Review status: criteria provided, single submitter. Criteria: Ambry Variant Classification Scheme 2023. Collection method: clinical testing. Allele origin: germline.

PreventionGenetics, part of Exact Sciences
Classification: Uncertain significance for IFT172-related condition. Last evaluated: 2024-07-29. Review status: no assertion criteria provided. Collection method: clinical testing. Allele origin: germline. Not counted in ClinVar's aggregate classification.
Comment: The IFT172 c.5005G>A variant is predicted to result in the amino acid substitution p.Ala1669Thr. To our knowledge, this variant has not been reported in the literature. This variant is reported in 0.013% of alleles in individuals of South Asian descent in gnomAD. At this time, the clinical significance of this variant is uncertain due to the absence of conclusive functional and genetic evidence.